The following is an entry in ClinVar:

NM_005591.4(MRE11):c.1151A>G (p.Lys384Arg)

Gene: MRE11 (MRE11 double strand break repair nuclease; minus strand). Cytogenetic location: 11q21.
Variant type: single nucleotide variant.
Coding change: c.1151A>G on transcript NM_005591.4 (MANE Select); coding-DNA position 1151, A replaced by G.
Protein change: p.Lys384Arg; replaces lysine 384 with arginine.
Molecular consequence: missense variant.
Genome position (GRCh38, 1-based): chr11:94,464,187, T>C on the plus strand (A>G on the coding strand, the complement: MRE11 is on the minus strand). VCF-style: chr11-94464187-T-C. GRCh37 (hg19) VCF-style: chr11-94197353-T-C.
Other names: c.1151A>G, p.Lys384Arg (NM_001330347.2, NM_001440460.1, NM_001440461.1 and 15 more transcripts); c.1076A>G, p.Lys359Arg (NM_001440471.1, NM_001440472.1, NM_001440479.1); c.806A>G, p.Lys269Arg (NM_001440482.1, NM_001440483.1, NM_001440484.1); c.683A>G, p.Lys228Arg (NM_001440485.1, NM_001440486.1, NM_001440487.1); c.1070A>G, p.Lys357Arg (NM_001440473.1, NM_001440477.1, NM_001440478.1); short protein forms K269R, K228R, K357R, K384R, K359R.
Identifiers: ClinVar variation 4842895 (VCV004842895.1).

ClinVar aggregate classification (germline): Uncertain significance (1 of 4 stars; one submission).

Conditions:
Hereditary cancer-predisposing syndrome. Also called: Neoplastic Syndromes, Hereditary; Tumor predisposition; Hereditary Cancer Syndrome; Hereditary neoplastic syndrome. Identifiers: Orphanet 140162, MedGen C0027672, MeSH D009386, MONDO:0015356.

gnomAD v4.1: 1 of 1,613,998 alleles (0.000062%); no homozygotes.

Submission:

Ambry Genetics
Classification: Uncertain significance for Hereditary cancer-predisposing syndrome. Last evaluated: 2025-12-22. Review status: criteria provided, single submitter. Criteria: Ambry Variant Classification Scheme 2023. Collection method: clinical testing. Allele origin: germline.
Comment: The p.K384R variant (also known as c.1151A>G), located in coding exon 10 of the MRE11A gene, results from an A to G substitution at nucleotide position 1151. The lysine at codon 384 is replaced by arginine, an amino acid with highly similar properties. This amino acid position is conserved. In addition, this alteration is predicted to be tolerated by in silico analysis. Based on the available evidence, the clinical significance of this variant remains unclear.